The following is an entry in ClinVar:

NM_201548.5(CERKL):c.677+609C>T

Gene: CERKL (CERK like autophagy regulator; minus strand). Cytogenetic location: 2q31.3.
Variant type: single nucleotide variant.
Coding change: c.677+609C>T on transcript NM_201548.5 (MANE Select); 609 bases into the intron after coding-DNA position 677, C replaced by T.
Molecular consequence: intron variant. On other transcripts: nonsense (2).
Genome position (GRCh38, 1-based): chr2:181,565,449, G>A on the plus strand (C>T on the coding strand, the complement: CERKL is on the minus strand). VCF-style: chr2-181565449-G-A. GRCh37 (hg19) VCF-style: chr2-182430176-G-A.
Other names: c.739C>T, p.Gln247Ter (NM_001030311.3); c.607C>T, p.Gln203Ter (NM_001160277.2); c.482-15741C>T (NM_001030312.3); c.613+8304C>T (NM_001030313.3); short protein forms Q203*, Q247*.
Identifiers: ClinVar variation 1443891 (VCV001443891.6), dbSNP rs2105832057, ClinGen allele CA349742443.

ClinVar aggregate classification (germline): Pathogenic (1 of 4 stars; one submission).

Allele frequency attached by ClinVar (database versions not stated): gnomAD exomes below 0.00001.
gnomAD v4.1: 3 of 1,611,896 alleles (0.00019%); highest among the groups gnomAD compares: Non-Finnish European, 0.00017%; no homozygotes.

Submission:

Labcorp Genetics (formerly Invitae), Labcorp
Classification: Pathogenic. Last evaluated: 2022-03-29. Review status: criteria provided, single submitter. Criteria: Invitae Variant Classification Sherloc (09022015). Collection method: clinical testing. Allele origin: germline.
Comment: This sequence change creates a premature translational stop signal (p.Gln247*) in the CERKL gene. It is expected to result in an absent or disrupted protein product. Loss-of-function variants in CERKL are known to be pathogenic (PMID: 14681825, 23591405, 24043777). This variant is not present in population databases (gnomAD no frequency). This variant has not been reported in the literature in individuals affected with CERKL-related conditions. Algorithms developed to predict the effect of sequence changes on RNA splicing suggest that this variant may disrupt the consensus splice site. For these reasons, this variant has been classified as Pathogenic.

Literature cited by the submitters: PubMed 14681825; PubMed 23591405; PubMed 24043777.